The following is an entry in ClinVar:

NM_001048174.2(MUTYH):c.1552A>T (p.Ser518Cys)

Gene: MUTYH (mutY DNA glycosylase; minus strand). Cytogenetic location: 1p34.1.
Variant type: single nucleotide variant.
Coding change: c.1552A>T on transcript NM_001048174.2 (MANE Select); coding-DNA position 1552, A replaced by T.
Protein change: p.Ser518Cys; replaces serine 518 with cysteine.
Molecular consequence: missense variant. On other transcripts: non-coding transcript variant (7).
Genome position (GRCh38, 1-based): chr1:45,329,320, T>A on the plus strand (A>T on the coding strand, the complement: MUTYH is on the minus strand). VCF-style: chr1-45329320-T-A. GRCh37 (hg19) VCF-style: chr1-45794992-T-A.
Other names: c.1552A>T, p.Ser518Cys (NM_001048171.2, NM_001407081.1, NM_001407088.1 and 6 more transcripts); c.1555A>T, p.Ser519Cys (NM_001048172.2, NM_001407086.1, NM_001407071.1 and 1 more transcripts); c.1513A>T, p.Ser505Cys (NM_001407079.1); c.1510A>T, p.Ser504Cys (NM_001407080.1); c.1207A>T, p.Ser403Cys (NM_001407082.1, NM_001350650.2, NM_001350651.2); c.1594A>T, p.Ser532Cys (NM_001407083.1, NM_001407085.1); c.1573A>T, p.Ser525Cys (NM_001407087.1); c.1276A>T, p.Ser426Cys (NM_001407091.1, NM_001293192.2, NM_001293196.2); and 5 more; short protein forms S403C, S490C, S504C, S529C, S533C, S543C, S426C, S505C.
Identifiers: ClinVar variation 4113479 (VCV004113479.1).

ClinVar aggregate classification (germline): Uncertain significance (1 of 4 stars; one submission).

Conditions:
Hereditary cancer-predisposing syndrome. Also called: Hereditary neoplastic syndrome; Neoplastic Syndromes, Hereditary; Tumor predisposition; Hereditary Cancer Syndrome. Identifiers: Orphanet 140162, MedGen C0027672, MeSH D009386, MONDO:0015356.

Submission:

Ambry Genetics
Classification: Uncertain significance for Hereditary cancer-predisposing syndrome. Last evaluated: 2025-08-27. Review status: criteria provided, single submitter. Criteria: Ambry Variant Classification Scheme 2023. Collection method: clinical testing. Allele origin: germline.
Comment: The p.S546C variant (also known as c.1636A>T), located in coding exon 16 of the MUTYH gene, results from an A to T substitution at nucleotide position 1636. The serine at codon 546 is replaced by cysteine, an amino acid with dissimilar properties. This amino acid position is conserved. In addition, this alteration is predicted to be tolerated by in silico analysis. Based on the available evidence, the clinical significance of this variant remains unclear.